The following is an entry in ClinVar:

ClinVar aggregate classification (germline): Uncertain significance (1 of 4 stars; one submission).

gnomAD v4.1: 10 of 1,611,892 alleles (0.00062%); highest among the groups gnomAD compares: Non-Finnish European, 0.00085%; no homozygotes.

Submission:

Greenwood Genetic Center Diagnostic Laboratories, Greenwood Genetic Center
Classification: Uncertain significance. Last evaluated: 2022-07-26. Review status: criteria provided, single submitter. Criteria: ACMG Guidelines, 2015. Collection method: clinical testing. Allele origin: germline. Affected: yes.
Comment: PM2

NM_197968.4(ZMYM2):c.3972T>G (p.Val1324=)

Gene: ZMYM2 (zinc finger MYM-type containing 2; plus strand). Cytogenetic location: 13q12.11.
Variant type: single nucleotide variant.
Coding change: c.3972T>G on transcript NM_197968.4 (MANE Select); coding-DNA position 3972, T replaced by G.
Protein change: p.Val1324=; no amino-acid change (valine 1324 retained).
Molecular consequence: synonymous variant. On other transcripts: non-coding transcript variant (1).
Genome position (GRCh38, 1-based): chr13:20,085,852, T>G. VCF-style: chr13-20085852-T-G. GRCh37 (hg19) VCF-style: chr13-20659992-T-G.
Other names: c.3972T>G, p.Val1324= (NM_001190964.4, NM_001190965.4, NM_001353157.2 and 4 more transcripts); c.3777T>G, p.Val1259= (NM_001353161.3); c.3711T>G, p.Val1237= (NM_001353163.2).
Identifiers: ClinVar variation 1710461 (VCV001710461.3), dbSNP rs2504705074, ClinGen allele CA482871715.
Genomic context (GRCh38, chr13:20,085,852, plus strand): 5'-CTTTTTCTCTTTTTCCTCCCGCCTCCAAAGTCCACAGAATCTTAATCAGAGGATGGATGT[T>G]TTTTATTTGCAACCAGAATGCTCTAGTTCTACAGATAGCCCTGTCTGGTATACGTCTACT-3'
Protein context (NP_932072.1, residues 1314-1334): SPQNLNQRMD[Val1324=]FYLQPECSSS